The following is an entry in ClinVar:

NM_002206.3(ITGA7):c.2217C>T (p.Ser739=)

Genes: ITGA7 (integrin subunit alpha 7; minus strand), LOC126861535 (CDK7 strongly-dependent group 2 enhancer GRCh37_chr12:56087579-56088778; plus strand). Cytogenetic location: 12q13.2.
Variant type: single nucleotide variant.
Coding change: c.2217C>T on transcript NM_002206.3 (MANE Select); coding-DNA position 2217, C replaced by T.
Protein change: p.Ser739=; no amino-acid change (serine 739 retained).
Molecular consequence: synonymous variant.
Genome position (GRCh38, 1-based): chr12:55,694,675, G>A on the plus strand (C>T on the coding strand, the complement: ITGA7 is on the minus strand). VCF-style: chr12-55694675-G-A. GRCh37 (hg19) VCF-style: chr12-56088459-G-A.
Other names: c.2229C>T, p.Ser743= (NM_001144996.2); c.1938C>T, p.Ser646= (NM_001144997.2); c.1890C>T, p.Ser630= (NM_001367993.1); c.873C>T, p.Ser291= (NM_001367994.1); c.2199C>T, p.Ser733= (NM_001374465.1); c.2349C>T, p.Ser783= (NM_001410977.1); c.2211C>T, p.Ser737= (NM_001414029.1); c.2142C>T, p.Ser714= (NM_001414030.1); and 5 more.
Identifiers: ClinVar variation 309783 (VCV000309783.26), dbSNP rs746986308, ClinGen allele CA6615702.
Genomic context (GRCh38, chr12:55,694,675, plus strand): 5'-CTGGGCACCTCTCTTCATGGGGTTCCCCAGCTCACACTCAACATGGGAGGCATTCTCATT[G>A]GACAGGCAGAGTGGCTTCTCCTGGAATGGGAGAGAAGGCAAGGTCAGTCTGGGTTACTGG-3'
Protein context (NP_002197.2, residues 729-749): LDPAEKPLCL[Ser739=]NENASHVECE

ClinVar aggregate classification (germline): Likely benign. Review status: criteria provided, multiple submitters, no conflicts (2 of 4 stars). 3 submissions from 3 submitters: Likely benign (3). Last evaluated 2025-01-01.

Conditions:
Congenital muscular dystrophy due to integrin alpha-7 deficiency. Also called: Congenital muscular dystrophy with integrin alpha-7 deficiency; Muscular dystrophy, congenital, due to ITGA7 deficiency; MYOPATHY, CONGENITAL, DUE TO INTEGRIN ALPHA-7 DEFICIENCY. Identifiers: Orphanet 34520, MedGen C2750786, MONDO:0013177, OMIM 613204.

Allele frequency attached by ClinVar (database versions not stated): ExAC 0.00001; gnomAD 0.00001 and 0.00002; gnomAD exomes 0.00001 and 0.00002; TOPMed 0.00001.
gnomAD v4.1: 27 of 1,614,130 alleles (0.0017%); highest among the groups gnomAD compares: Middle Eastern, 0.18%; 1 homozygote.

Submissions (3):

CeGaT Center for Human Genetics Tuebingen
Classification: Likely benign. Last evaluated: 2025-01-01. Review status: criteria provided, single submitter. Criteria: CeGaT Center For Human Genetics Tuebingen Variant Classification Criteria Version 2. Collection method: clinical testing. Allele origin: germline. Affected: yes. Observed: 1 variant allele.
Comment: ITGA7: BP4, BP7

Labcorp Genetics (formerly Invitae), Labcorp
Classification: Likely benign for Congenital muscular dystrophy due to integrin alpha-7 deficiency. Last evaluated: 2023-10-05. Review status: criteria provided, single submitter. Criteria: Invitae Variant Classification Sherloc (09022015). Collection method: clinical testing. Allele origin: germline.

Breakthrough Genomics
Classification: Likely benign. Review status: criteria provided, single submitter. Criteria: ACMG Guidelines, 2015. Collection method: not provided. Allele origin: germline. Inheritance: Autosomal recessive inheritance. Affected: yes.